The following is an entry in ClinVar:

NM_006651.4(CPLX1):c.218A>C (p.Lys73Thr)

Gene: CPLX1 (complexin 1; minus strand). Cytogenetic location: 4p16.3.
Variant type: single nucleotide variant.
Coding change: c.218A>C on transcript NM_006651.4 (MANE Select); coding-DNA position 218, A replaced by C.
Protein change: p.Lys73Thr; replaces lysine 73 with threonine.
Molecular consequence: missense variant.
Genome position (GRCh38, 1-based): chr4:786,688, T>G on the plus strand (A>C on the coding strand, the complement: CPLX1 is on the minus strand). VCF-style: chr4-786688-T-G. GRCh37 (hg19) VCF-style: chr4-780476-T-G.
Other names: short protein forms K73T.
Identifiers: ClinVar variation 1502160 (VCV001502160.8), dbSNP rs1378396481, ClinGen allele CA355921733.

ClinVar aggregate classification (germline): Uncertain significance (1 of 4 stars; one submission).

Allele frequency attached by ClinVar (database versions not stated): gnomAD exomes below 0.00001.

Submission:

Labcorp Genetics (formerly Invitae), Labcorp
Classification: Uncertain significance. Last evaluated: 2022-08-23. Review status: criteria provided, single submitter. Criteria: Invitae Variant Classification Sherloc (09022015). Collection method: clinical testing. Allele origin: germline.
Comment: In summary, the available evidence is currently insufficient to determine the role of this variant in disease. Therefore, it has been classified as a Variant of Uncertain Significance. Algorithms developed to predict the effect of missense changes on protein structure and function (SIFT, PolyPhen-2, Align-GVGD) all suggest that this variant is likely to be disruptive. ClinVar contains an entry for this variant (Variation ID: 1502160). This variant has not been reported in the literature in individuals affected with CPLX1-related conditions. This variant is present in population databases (no rsID available, gnomAD 0.003%). This sequence change replaces lysine, which is basic and polar, with threonine, which is neutral and polar, at codon 73 of the CPLX1 protein (p.Lys73Thr).